The following is an entry in ClinVar:

NM_001374353.1(GLI2):c.2160C>G (p.Leu720=)

Gene: GLI2 (GLI family zinc finger 2; plus strand). Cytogenetic location: 2q14.2.
Variant type: single nucleotide variant.
Coding change: c.2160C>G on transcript NM_001374353.1 (MANE Select); coding-DNA position 2160, C replaced by G.
Protein change: p.Leu720=; no amino-acid change (leucine 720 retained).
Molecular consequence: synonymous variant.
Genome position (GRCh38, 1-based): chr2:120,986,532, C>G. VCF-style: chr2-120986532-C-G. GRCh37 (hg19) VCF-style: chr2-121744108-C-G.
Other names: c.2211C>G, p.Leu737= (NM_001371271.1, NM_005270.5); c.1785C>G, p.Leu595= (NM_001374354.1).
Identifiers: ClinVar variation 4534243 (VCV004534243.6).
Genomic context (GRCh38, chr2:120,986,532, plus strand): 5'-CCAGCTGCGCAAACACATGACCACCATGCACCGGTTCGAGCAGCTCAAGAAGGAGAAGCT[C>G]AAGTCACTCAAGGATTCCTGCTCATGGGCCGGGCCGACTCCACACACGCGGAACACCAAG-3'
Protein context (NP_001361282.1, residues 710-730): HRFEQLKKEK[Leu720=]KSLKDSCSWA

ClinVar aggregate classification (germline): Likely benign (1 of 4 stars; one submission).

gnomAD v4.1: 13 of 1,614,158 alleles (0.00081%); highest among the groups gnomAD compares: Non-Finnish European, 0.0011%; no homozygotes.

Submission:

CeGaT Center for Human Genetics Tuebingen
Classification: Likely benign. Last evaluated: 2025-11-01. Review status: criteria provided, single submitter. Criteria: CeGaT Center For Human Genetics Tuebingen Variant Classification Criteria Version 2. Collection method: clinical testing. Allele origin: germline. Affected: yes. Observed: 1 variant allele.
Comment: GLI2: BP4, BP7